The following is an entry in ClinVar:

NM_004360.5(CDH1):c.754G>A (p.Val252Ile)

Gene: CDH1 (cadherin 1; plus strand). Cytogenetic location: 16q22.1.
Variant type: single nucleotide variant.
Coding change: c.754G>A on transcript NM_004360.5 (MANE Select); coding-DNA position 754, G replaced by A.
Protein change: p.Val252Ile; replaces valine 252 with isoleucine.
Molecular consequence: missense variant. On other transcripts: 5 prime UTR variant (2).
Genome position (GRCh38, 1-based): chr16:68,810,263, G>A. VCF-style: chr16-68810263-G-A. GRCh37 (hg19) VCF-style: chr16-68844166-G-A.
Other names: c.754G>A (LRG_301t1); c.754G>A, p.Val252Ile (NM_001317184.2); c.-862G>A (NM_001317185.2); c.-1066G>A (NM_001317186.2); short protein forms V252I.
Identifiers: ClinVar variation 481686 (VCV000481686.21), dbSNP rs1358319984, ClinGen allele CA396458592.

ClinVar aggregate classification (germline): Uncertain significance. Review status: criteria provided, multiple submitters, no conflicts (2 of 4 stars). 3 submissions from 3 submitters: Uncertain significance (3). Last evaluated 2025-07-13.

Conditions:
Hereditary cancer-predisposing syndrome. Also called: Hereditary neoplastic syndrome; Neoplastic Syndromes, Hereditary; Tumor predisposition; Hereditary Cancer Syndrome. Identifiers: Orphanet 140162, MedGen C0027672, MeSH D009386, MONDO:0015356.
Hereditary diffuse gastric adenocarcinoma (HDGC). Also called: DIFFUSE GASTRIC AND LOBULAR BREAST CANCER SYNDROME. Identifiers: Orphanet 26106, MedGen C1708349, MONDO:0007648, OMIM 137215.

Allele frequency attached by ClinVar (database versions not stated): gnomAD exomes below 0.00001; TOPMed below 0.00001.
gnomAD v4.1: 1 of 1,613,810 alleles (0.000062%); highest among the groups gnomAD compares: Non-Finnish European, 0.000085%; no homozygotes.

Submissions (3):

Labcorp Genetics (formerly Invitae), Labcorp
Classification: Uncertain significance for Hereditary diffuse gastric adenocarcinoma. Last evaluated: 2025-07-13. Review status: criteria provided, single submitter. Criteria: Invitae Variant Classification Sherloc (09022015). Collection method: clinical testing. Allele origin: germline.
Comment: This sequence change replaces valine, which is neutral and non-polar, with isoleucine, which is neutral and non-polar, at codon 252 of the CDH1 protein (p.Val252Ile). This variant is present in population databases (no rsID available, gnomAD 0.0009%). This variant has not been reported in the literature in individuals affected with CDH1-related conditions. ClinVar contains an entry for this variant (Variation ID: 481686). An algorithm developed to predict the effect of missense changes on protein structure and function (PolyPhen-2) suggests that this variant is likely to be disruptive. In summary, the available evidence is currently insufficient to determine the role of this variant in disease. Therefore, it has been classified as a Variant of Uncertain Significance.

Ambry Genetics
Classification: Uncertain significance for Hereditary cancer-predisposing syndrome. Last evaluated: 2025-05-24. Review status: criteria provided, single submitter. Criteria: Ambry Variant Classification Scheme 2023. Collection method: clinical testing. Allele origin: germline.
Comment: The p.V252I variant (also known as c.754G>A), located in coding exon 6 of the CDH1 gene, results from a G to A substitution at nucleotide position 754. The valine at codon 252 is replaced by isoleucine, an amino acid with highly similar properties. This variant was reported in 2/60,466 breast cancer cases and in 0/53,461 controls (Dorling et al. N Engl J Med. 2021 02;384:428-439). This amino acid position is highly conserved in available vertebrate species. In addition, the in silico prediction for this alteration is inconclusive. Since supporting evidence is limited at this time, the clinical significance of this alteration remains unclear.

Color Diagnostics, LLC DBA Color Health
Classification: Uncertain significance for Hereditary cancer-predisposing syndrome. Last evaluated: 2021-07-27. Review status: criteria provided, single submitter. Criteria: ACMG Guidelines, 2015. Collection method: clinical testing. Allele origin: germline.
Comment: This missense variant replaces valine with isoleucine at codon 252 of the CDH1 protein. To our knowledge, functional studies have not been reported for this variant. This variant has not been reported in individuals affected with hereditary cancer in the literature. This variant has been identified in 1/251454 chromosomes in the general population by the Genome Aggregation Database (gnomAD). The available evidence is insufficient to determine the role of this variant in disease conclusively. Therefore, this variant is classified as a Variant of Uncertain Significance.

Literature cited by the submitters: PubMed 33471991 (cited by Ambry Genetics).